The following is an entry in ClinVar:

NM_145038.5(DRC1):c.563A>G (p.Gln188Arg)

Gene: DRC1 (dynein regulatory complex subunit 1; plus strand). Cytogenetic location: 2p23.3.
Variant type: single nucleotide variant.
Coding change: c.563A>G on transcript NM_145038.5 (MANE Select); coding-DNA position 563, A replaced by G.
Protein change: p.Gln188Arg; replaces glutamine 188 with arginine.
Molecular consequence: missense variant.
Genome position (GRCh38, 1-based): chr2:26,429,650, A>G. VCF-style: chr2-26429650-A-G. GRCh37 (hg19) VCF-style: chr2-26652518-A-G.
Other names: short protein forms Q188R.
Identifiers: ClinVar variation 3898944 (VCV003898944.1).
Genomic context (GRCh38, chr2:26,429,650, plus strand): 5'-CACAGTTTGTGGCCAGACTTTTACATGCTCTTTTCTAGGAGTTAAAAACAAAGGATGACC[A>G]GTATGTGAAGGATTTGAAGAAACAGTCAGATGACATCTGCCTGCTTCTGGAGCGGATGGA-3'
Protein context (NP_659475.2, residues 178-198): LQQELKTKDD[Gln188Arg]YVKDLKKQSD

ClinVar aggregate classification (germline): Uncertain significance (1 of 4 stars; one submission).

Submission:

GeneDx
Classification: Uncertain significance. Last evaluated: 2024-11-10. Review status: criteria provided, single submitter. Criteria: GeneDx Variant Classification Process June 2021. Collection method: clinical testing. Allele origin: germline. Affected: yes.
Comment: In silico analysis indicates that this missense variant does not alter protein structure/function; Has not been previously published as pathogenic or benign to our knowledge